The following is an entry in ClinVar:

NM_017780.4(CHD7):c.6369CTT[1] (p.Phe2124del)

Gene: CHD7 (chromodomain helicase DNA binding protein 7; plus strand). Cytogenetic location: 8q12.2.
Variant type: Microsatellite.
Coding change: c.6369CTT[1] on transcript NM_017780.4 (MANE Select); one copy of the 3-base unit CTT starting at c.6369; the reference has two copies in a row; one copy, 3 bases deleted; also written c.6372_6374del.
Protein change: p.Phe2124del; deletes phenylalanine 2124.
Molecular consequence: inframe deletion. On other transcripts: inframe indel (1), intron variant (1).
Genome position (GRCh38, 1-based): chr8:60,853,097-60,853,099, CTT deleted; deleting any 3 consecutive bases within chr8:60,853,094-60,853,099 gives the same sequence; the position shown is the placement nearest the transcript's 3' end. VCF-style (leftmost placement, unchanged base first): chr8-60853093-CCTT-C. GRCh37 (hg19) VCF-style: chr8-61765652-CCTT-C.
Other names: c.6369_6371CTT[1], p.Phe2124del (NM_017780.2); c.1717-9132_1717-9130del (NM_001316690.1); c.6372_6374del (NM_017780.2); short protein forms F2124del.
Identifiers: ClinVar variation 2733968 (VCV002733968.5), dbSNP rs2488042614, ClinGen allele CA2697549948.

ClinVar aggregate classification (germline): Pathogenic/Likely pathogenic. Review status: criteria provided, multiple submitters, no conflicts (2 of 4 stars). 2 submissions from 2 submitters: Pathogenic (1); Likely pathogenic (1). Last evaluated 2026-08-26.

Conditions:
CHARGE syndrome (CHARGE). Also called: Hittner Hirsch Kreh syndrome; CHARGE ASSOCIATION--COLOBOMA, HEART ANOMALY, CHOANAL ATRESIA, RETARDATION, GENITAL AND EAR ANOMALIES; Coloboma, heart anomaly, choanal atresia, retardation, genital and ear anomalies; CHARGE association; Hall-Hittner syndrome. Identifiers: Orphanet 138, MedGen C0265354, MONDO:0008965.

Submissions (2):

GeneDx
Classification: Pathogenic. Last evaluated: 2026-08-26. Review status: criteria provided, single submitter. Criteria: GeneDx Variant Classification Process June 2021. Collection method: clinical testing. Allele origin: germline.
Comment: Not observed at significant frequency in large population cohorts (gnomAD); In-frame deletion of 1 amino acid(s) in a non-repeat region; In silico analysis supports a deleterious effect on protein structure/function; Has not been previously published as pathogenic or benign to our knowledge

Labcorp Genetics (formerly Invitae), Labcorp
Classification: Likely pathogenic for CHARGE syndrome. Last evaluated: 2025-10-23. Review status: criteria provided, single submitter. Criteria: Invitae Variant Classification Sherloc (09022015). Collection method: clinical testing. Allele origin: germline.
Comment: This variant, c.6372_6374del, results in the deletion of 1 amino acid(s) of the CHD7 protein (p.Phe2124del), but otherwise preserves the integrity of the reading frame. This variant is not present in population databases (gnomAD no frequency). This variant has been observed in individual(s) with clinical features of CHARGE syndrome (internal data). In at least one individual the variant was observed to be de novo. Experimental studies and prediction algorithms are not available or were not evaluated, and the functional significance of this variant is currently unknown. In summary, the currently available evidence indicates that the variant is pathogenic, but additional data are needed to prove that conclusively. Therefore, this variant has been classified as Likely Pathogenic.